The following is an entry in ClinVar:

NM_001961.4(EEF2):c.288C>T (p.Ala96=)

Gene: EEF2 (eukaryotic translation elongation factor 2; minus strand). Cytogenetic location: 19p13.3.
Variant type: single nucleotide variant.
Coding change: c.288C>T on transcript NM_001961.4 (MANE Select); coding-DNA position 288, C replaced by T.
Protein change: p.Ala96=; no amino-acid change (alanine 96 retained).
Molecular consequence: synonymous variant.
Genome position (GRCh38, 1-based): chr19:3,983,222, G>A on the plus strand (C>T on the coding strand, the complement: EEF2 is on the minus strand). VCF-style: chr19-3983222-G-A. GRCh37 (hg19) VCF-style: chr19-3983220-G-A.
Identifiers: ClinVar variation 804782 (VCV000804782.27), dbSNP rs369558753, ClinGen allele CA9089461.

ClinVar aggregate classification (germline): Benign/Likely benign. Review status: criteria provided, multiple submitters, no conflicts (2 of 4 stars). 3 submissions from 3 submitters: Benign (1); Likely benign (2). Last evaluated 2025-11-27.

Allele frequency attached by ClinVar (database versions not stated): gnomAD exomes 0.00012 and 0.00019; ESP Exome Variant Server 0.00015; ExAC 0.00017; gnomAD 0.00019 and 0.00021; TOPMed 0.00023.

Submissions (3):

Labcorp Genetics (formerly Invitae), Labcorp
Classification: Likely benign. Last evaluated: 2025-11-27. Review status: criteria provided, single submitter. Criteria: Invitae Variant Classification Sherloc (09022015). Collection method: clinical testing. Allele origin: germline.

CeGaT Center for Human Genetics Tuebingen
Classification: Likely benign. Last evaluated: 2023-12-01. Review status: criteria provided, single submitter. Criteria: CeGaT Center For Human Genetics Tuebingen Variant Classification Criteria Version 2. Collection method: clinical testing. Allele origin: germline. Affected: yes. Observed: 1 variant allele.
Comment: EEF2: BP4, BP7

Athena Diagnostics
Classification: Benign. Last evaluated: 2018-10-12. Review status: criteria provided, single submitter. Criteria: Athena Diagnostics Criteria. Collection method: clinical testing. Allele origin: germline.